The following is an entry in ClinVar:

NM_002180.3(IGHMBP2):c.922A>C (p.Lys308Gln)

Gene: IGHMBP2 (immunoglobulin mu DNA binding protein 2; plus strand). Cytogenetic location: 11q13.3.
Variant type: single nucleotide variant.
Coding change: c.922A>C on transcript NM_002180.3 (MANE Select); coding-DNA position 922, A replaced by C.
Protein change: p.Lys308Gln; replaces lysine 308 with glutamine.
Molecular consequence: missense variant.
Genome position (GRCh38, 1-based): chr11:68,917,745, A>C. VCF-style: chr11-68917745-A-C. GRCh37 (hg19) VCF-style: chr11-68685213-A-C.
Other names: short protein forms K308Q.
Identifiers: ClinVar variation 935620 (VCV000935620.8), dbSNP rs201177129, ClinGen allele CA223394956.

ClinVar aggregate classification (germline): Uncertain significance. Review status: criteria provided, multiple submitters, no conflicts (2 of 4 stars). 2 submissions from 2 submitters: Uncertain significance (2). Last evaluated 2024-10-08.

Conditions:
Inborn genetic diseases. Identifiers: MedGen C0950123, MeSH D030342.
Autosomal recessive distal spinal muscular atrophy 1. Also called: NEURONOPATHY, DISTAL HEREDITARY MOTOR, HARDING TYPE VI; NEUROPATHY, DISTAL HEREDITARY MOTOR, AUTOSOMAL RECESSIVE 1; NEURONOPATHY, SEVERE INFANTILE AXONAL, WITH RESPIRATORY FAILURE; SEVERE INFANTILE AXONAL NEUROPATHY WITH RESPIRATORY FAILURE; SPINAL MUSCULAR ATROPHY, DIAPHRAGMATIC; Spinal muscular atrophy with respiratory distress 1. Identifiers: Orphanet 98920, MedGen C1858517, MONDO:0011436, OMIM 604320.
Charcot-Marie-Tooth disease axonal type 2S. Also called: CHARCOT-MARIE-TOOTH DISEASE, AXONAL, AUTOSOMAL RECESSIVE, TYPE 2S; CHARCOT-MARIE-TOOTH NEUROPATHY, TYPE 2S. Identifiers: Orphanet 443073, MedGen C4015349, MONDO:0014511, OMIM 616155.

Allele frequency attached by ClinVar (database versions not stated): gnomAD exomes below 0.00001.

Submissions (2):

Ambry Genetics
Classification: Uncertain significance for Inborn genetic diseases. Last evaluated: 2024-10-08. Review status: criteria provided, single submitter. Criteria: Ambry Variant Classification Scheme 2023. Collection method: clinical testing. Allele origin: germline.

Labcorp Genetics (formerly Invitae), Labcorp
Classification: Uncertain significance for Autosomal recessive distal spinal muscular atrophy 1; Charcot-Marie-Tooth disease axonal type 2S. Last evaluated: 2021-08-28. Review status: criteria provided, single submitter. Criteria: Invitae Variant Classification Sherloc (09022015). Collection method: clinical testing. Allele origin: germline.
Comment: This sequence change replaces lysine with glutamine at codon 308 of the IGHMBP2 protein (p.Lys308Gln). The lysine residue is moderately conserved and there is a small physicochemical difference between lysine and glutamine. This variant is not present in population databases (ExAC no frequency). This variant has not been reported in the literature in individuals affected with IGHMBP2-related conditions. Algorithms developed to predict the effect of missense changes on protein structure and function are either unavailable or do not agree on the potential impact of this missense change (SIFT: "Deleterious"; PolyPhen-2: "Benign"; Align-GVGD: "Class C0"). In summary, the available evidence is currently insufficient to determine the role of this variant in disease. Therefore, it has been classified as a Variant of Uncertain Significance.